The following is an entry in ClinVar:

NM_175875.5(SIX5):c.251T>A (p.Leu84His)

Genes: DM1-AS (DM1 locus antisense RNA; plus strand), SIX5 (SIX homeobox 5; minus strand), LOC107075317 (origin of replication in DMPK trinucleotide repeat region; plus strand), LOC129929037 (ATAC-STARR-seq lymphoblastoid silent region 10794; plus strand). Cytogenetic location: 19q13.32.
Variant type: single nucleotide variant.
Coding change: c.251T>A on transcript NM_175875.5 (MANE Select); coding-DNA position 251, T replaced by A.
Protein change: p.Leu84His; replaces leucine 84 with histidine.
Molecular consequence: missense variant.
Genome position (GRCh38, 1-based): chr19:45,768,594, A>T on the plus strand (T>A on the coding strand, the complement: SIX5 is on the minus strand). VCF-style: chr19-45768594-A-T. GRCh37 (hg19) VCF-style: chr19-46271852-A-T.
Other names: short protein forms L84H.
Identifiers: ClinVar variation 2631829 (VCV002631829.1), dbSNP rs2513605497, ClinGen allele CA406424211.

ClinVar aggregate classification (germline): Uncertain significance (1 of 4 stars; one submission).

Conditions:
SIX5-related disorder. Also called: SIX5-related condition.

Submission:

PreventionGenetics, part of Exact Sciences
Classification: Uncertain significance for SIX5-related condition. Last evaluated: 2023-07-19. Review status: criteria provided, single submitter. Criteria: ACMG Guidelines, 2015. Collection method: clinical testing. Allele origin: germline.
Comment: The SIX5 c.251T>A variant is predicted to result in the amino acid substitution p.Leu84His. To our knowledge, this variant has not been reported in the literature or in a large population database, indicating this variant is rare. At this time, the clinical significance of this variant is uncertain due to the absence of conclusive functional and genetic evidence.